The following is an entry in ClinVar:

NM_177438.3(DICER1):c.2040+54dup

Gene: DICER1 (dicer 1, ribonuclease III; minus strand). Cytogenetic location: 14q32.13.
Variant type: Duplication.
Coding change: c.2040+54dup on transcript NM_177438.3 (MANE Select); 54 bases into the intron after coding-DNA position 2040, one base duplicated (T; older notation c.2040+54dupT).
Molecular consequence: intron variant.
Genome position (GRCh38, 1-based): chr14:95,113,033, A duplicated on the plus strand (T on the coding strand, the reverse complement: DICER1 is on the minus strand); the first of 6 consecutive A bases (chr14:95,113,033-95,113,038); duplicating any one gives the same sequence. VCF-style (leftmost placement, unchanged base first): chr14-95113032-G-GA. GRCh37 (hg19) VCF-style: chr14-95579369-G-GA.
Other names: c.2040+54dup (NM_001291628.2, NM_030621.4, NM_001271282.3 and 1 more transcripts); c.2040+59_2040+60insT (NM_177438.2); c.2040+53_2040+54insT (NM_177438.2).
Identifiers: ClinVar variation 932974 (VCV000932974.5), dbSNP rs141723381, ClinGen allele CA265913262.
Genomic context (GRCh38, chr14:95,113,032, plus strand): 5'-GCTCATGAAAGTAGATTTTAAAATCAAATTTACCTATAACTTGCAAGTCTTAGAAAAGCT[G>GA]AAAAAATCCACTAATGACACATTTTAAAAGATAACAATCATTTCTTCTTCTAAACTTACA-3'

ClinVar aggregate classification (germline): Benign/Likely benign. Review status: criteria provided, multiple submitters, no conflicts (2 of 4 stars). 3 submissions from 2 submitters: Benign (1); Likely benign (1). 1 of the submissions does not count toward it. Last evaluated 2019-07-01.

Submissions (3):

Foulkes Cancer Genetics LDI, Lady Davis Institute for Medical Research
Classification: Likely benign. Last evaluated: 2019-07-01. Review status: criteria provided, single submitter. Criteria: ACMG Guidelines, 2015. Collection method: curation. Allele origin: germline, somatic. Affected: yes. Observed: 3 variant alleles.
Comment: ACMG criteria met: BP2, BP4

GeneDx
Classification: Benign. Last evaluated: 2018-06-23. Review status: criteria provided, single submitter. Criteria: GeneDx Variant Classification Process June 2021. Collection method: clinical testing. Allele origin: germline. Affected: yes.

Foulkes Cancer Genetics LDI, Lady Davis Institute for Medical Research
Classification: Uncertain significance. Last evaluated: 2019-07-01. Review status: flagged submission. Collection method: literature only. Allele origin: somatic. Affected: yes. Observed: 2 variant alleles. Not counted in ClinVar's aggregate classification.
ClinVar note: Reason: This record appears to be redundant with a more recent record from the same submitter.
ClinVar note: Notes: SCV001371899 appears to be redundant with SCV001371897.

Literature cited by the submitters: PubMed 28524158 (cited by Foulkes Cancer Genetics LDI, Lady Davis Institute for Medical Research); PubMed 25022261 (cited by Foulkes Cancer Genetics LDI, Lady Davis Institute for Medical Research).